The following is an entry in ClinVar:

NM_133510.4(RAD51B):c.398G>C (p.Gly133Ala)

Gene: RAD51B (RAD51 paralog B; plus strand). Cytogenetic location: 14q24.1.
Variant type: single nucleotide variant.
Coding change: c.398G>C on transcript NM_133510.4 (MANE Select); coding-DNA position 398, G replaced by C.
Protein change: p.Gly133Ala; replaces glycine 133 with alanine.
Molecular consequence: missense variant.
Genome position (GRCh38, 1-based): chr14:67,865,085, G>C. VCF-style: chr14-67865085-G-C. GRCh37 (hg19) VCF-style: chr14-68331802-G-C.
Other names: c.398G>C, p.Gly133Ala (NM_001321809.2, NM_001321810.2, NM_001321812.1 and 6 more transcripts); c.284G>C, p.Gly95Ala (NM_001321815.1); c.41G>C, p.Gly14Ala (NM_001321817.2); short protein forms G95A, G133A, G14A.
Identifiers: ClinVar variation 3942299 (VCV003942299.1).

ClinVar aggregate classification (germline): Uncertain significance (1 of 4 stars; one submission).

gnomAD v4.1: 1 of 1,593,890 alleles (0.000063%); highest among the groups gnomAD compares: East Asian, 0.0023%; no homozygotes.

Submission:

Ambry Genetics
Classification: Uncertain significance. Last evaluated: 2025-04-18. Review status: criteria provided, single submitter. Criteria: Ambry Variant Classification Scheme 2023. Collection method: clinical testing. Allele origin: germline.
Comment: The p.G133A variant (also known as c.398G>C), located in coding exon 4 of the RAD51B gene, results from a G to C substitution at nucleotide position 398. The glycine at codon 133 is replaced by alanine, an amino acid with similar properties. This amino acid position is conserved. In addition, this alteration is predicted to be deleterious by in silico analysis. Based on the available evidence, the clinical significance of this variant remains unclear.